The following is an entry in ClinVar:

ClinVar aggregate classification (germline): Benign/Likely benign. Review status: criteria provided, multiple submitters, no conflicts (2 of 4 stars). 5 submissions from 5 submitters: Benign (1); Likely benign (4). Last evaluated 2024-12-17.

Conditions:
Hereditary nonpolyposis colorectal neoplasms. Identifiers: MedGen C0009405, MeSH D003123.
Hereditary cancer-predisposing syndrome. Also called: Neoplastic Syndromes, Hereditary; Tumor predisposition; Hereditary Cancer Syndrome; Hereditary neoplastic syndrome. Identifiers: Orphanet 140162, MedGen C0027672, MeSH D009386, MONDO:0015356.
Lynch syndrome 5 (LYNCH5). Also called: Colorectal cancer, hereditary nonpolyposis, type 5; Hereditary non-polyposis colorectal cancer, type 5. Identifiers: Orphanet 144, MedGen C1833477, MONDO:0013710, OMIM 614350. Disease mechanism: loss of function.
Lynch syndrome. Identifiers: Orphanet 144, MedGen C4552100, MONDO:0005835. Disease mechanism: loss of function.

Submissions (5):

Myriad Genetics, Inc.
Classification: Benign for Lynch syndrome 5. Last evaluated: 2024-12-17. Review status: criteria provided, single submitter. Criteria: Myriad Autosomal Dominant, Autosomal Recessive and X-Linked Classification Criteria (2023). Collection method: clinical testing. Allele origin: unknown.
Comment: This variant is considered benign. This variant is a silent/synonymous amino acid change and it is not expected to impact splicing.

All of Us Research Program, National Institutes of Health
Classification: Likely benign for Lynch syndrome. Last evaluated: 2023-04-28. Review status: criteria provided, single submitter. Criteria: ACMG Guidelines, 2015. Collection method: clinical testing. Allele origin: germline. Inheritance: Autosomal dominant inheritance. Observed: 1 variant allele, 1 heterozygote.
Comment: This study involves interpretation of variants in research participants for the purpose of population health screening. Participant phenotype was not available at the time of variant classification. Additional details can be found in publication PMID: 35346344, PMCID: PMC8962531

Labcorp Genetics (formerly Invitae), Labcorp
Classification: Likely benign for Hereditary nonpolyposis colorectal neoplasms. Last evaluated: 2022-03-10. Review status: criteria provided, single submitter. Criteria: Invitae Variant Classification Sherloc (09022015). Collection method: clinical testing. Allele origin: germline.

Color Diagnostics, LLC DBA Color Health
Classification: Likely benign for Hereditary cancer-predisposing syndrome. Last evaluated: 2019-04-02. Review status: criteria provided, single submitter. Criteria: ACMG Guidelines, 2015. Collection method: clinical testing. Allele origin: germline.

Ambry Genetics
Classification: Likely benign for Hereditary cancer-predisposing syndrome. Last evaluated: 2018-05-17. Review status: criteria provided, single submitter. Criteria: Ambry Variant Classification Scheme 2023. Collection method: clinical testing. Allele origin: germline.

NM_000179.3(MSH6):c.189C>G (p.Ser63=)

Gene: MSH6 (mutS homolog 6; plus strand). Cytogenetic location: 2p16.3.
Variant type: single nucleotide variant.
Coding change: c.189C>G on transcript NM_000179.3 (MANE Select); coding-DNA position 189, C replaced by G.
Protein change: p.Ser63=; no amino-acid change (serine 63 retained).
Molecular consequence: synonymous variant. On other transcripts: 5 prime UTR variant (1).
Genome position (GRCh38, 1-based): chr2:47,783,422, C>G. VCF-style: chr2-47783422-C-G. GRCh37 (hg19) VCF-style: chr2-48010561-C-G.
Other names: c.189C>G, p.Ser63= (NM_001281492.2); c.-548C>G (NM_001281493.2).
Identifiers: ClinVar variation 820263 (VCV000820263.17), dbSNP rs917331457, ClinGen allele CA426120757.